The following is an entry in ClinVar:

NM_198578.4(LRRK2):c.*979T>C

Gene: LRRK2 (leucine rich repeat kinase 2; plus strand). Cytogenetic location: 12q12.
Variant type: single nucleotide variant.
Coding change: c.*979T>C on transcript NM_198578.4 (MANE Select); 979 bases downstream of the stop codon, T replaced by C.
Molecular consequence: 3 prime UTR variant.
Genome position (GRCh38, 1-based): chr12:40,368,744, T>C. VCF-style: chr12-40368744-T-C. GRCh37 (hg19) VCF-style: chr12-40762546-T-C.
Identifiers: ClinVar variation 308668 (VCV000308668.6), dbSNP rs10784548, ClinGen allele CA10641179.

ClinVar aggregate classification (germline): Benign. Review status: criteria provided, multiple submitters, no conflicts (2 of 4 stars). 2 submissions from 2 submitters: Benign (2). Last evaluated 2018-01-13.

Conditions:
Autosomal dominant Parkinson disease 8. Also called: Parkinson disease 8, susceptibility to; LRRK2-Related Parkinson Disease; Parkinson disease 8. Identifiers: Orphanet 411602, MedGen C1846862, MONDO:0011764, OMIM 607060.

Allele frequency attached by ClinVar (database versions not stated): gnomAD exomes 0.63043; 1000 Genomes Project 30x 0.55059; 1000 Genomes Project 0.55132; TOPMed 0.59730; gnomAD 0.61651 and 0.61859.
gnomAD v4.1: 93,015 of 150,826 alleles (62%); highest among the groups gnomAD compares: Non-Finnish European, 67%; 29,088 homozygotes.

Submissions (2):

Illumina Laboratory Services, Illumina
Classification: Benign for Autosomal dominant Parkinson disease 8. Last evaluated: 2018-01-13. Review status: criteria provided, single submitter. Criteria: ICSL Variant Classification Criteria 13 December 2019. Collection method: clinical testing. Allele origin: germline.
Comment: This variant was observed in the ICSL laboratory as part of a predisposition screen in an ostensibly healthy population. It had not been previously curated by ICSL or reported in the Human Gene Mutation Database (HGMD: prior to June 1st, 2018), and was therefore a candidate for classification through an automated scoring system. Utilizing variant allele frequency, disease prevalence and penetrance estimates, and inheritance mode, an automated score was calculated to assess if this variant is too frequent to cause the disease. Based on the score and internal cut-off values, a variant classified as benign is not then subjected to further curation. The score for this variant resulted in a classification of benign for this disease.

Breakthrough Genomics
Classification: Benign. Review status: criteria provided, single submitter. Criteria: ACMG Guidelines, 2015. Collection method: not provided. Allele origin: germline. Inheritance: Autosomal dominant inheritance. Affected: yes.